The following is an entry in ClinVar:

NM_014875.3(KIF14):c.1515T>A (p.Leu505=)

Gene: KIF14 (kinesin family member 14; minus strand). Cytogenetic location: 1q32.1.
Variant type: single nucleotide variant.
Coding change: c.1515T>A on transcript NM_014875.3 (MANE Select); coding-DNA position 1515, T replaced by A.
Protein change: p.Leu505=; no amino-acid change (leucine 505 retained).
Molecular consequence: synonymous variant.
Genome position (GRCh38, 1-based): chr1:200,608,869, A>T on the plus strand (T>A on the coding strand, the complement: KIF14 is on the minus strand). VCF-style: chr1-200608869-A-T. GRCh37 (hg19) VCF-style: chr1-200577997-A-T.
Other names: c.42T>A, p.Leu14= (NM_001305792.1).
Identifiers: ClinVar variation 3033849 (VCV003033849.2), dbSNP rs747843114, ClinGen allele CA1317818.

ClinVar aggregate classification (germline): Likely benign (0 of 4 stars; one submission).

Conditions:
KIF14-related disorder. Also called: KIF14-related condition.

Allele frequency attached by ClinVar (database versions not stated): gnomAD exomes below 0.00001; ExAC 0.00001.
gnomAD v4.1: 5 of 1,610,600 alleles (0.00031%); highest among the groups gnomAD compares: South Asian, 0.0044%; no homozygotes.

Submission:

PreventionGenetics, part of Exact Sciences
Classification: Likely benign for KIF14-related condition. Last evaluated: 2023-09-15. Review status: no assertion criteria provided. Collection method: clinical testing. Allele origin: germline.
Comment: This variant is classified as likely benign based on ACMG/AMP sequence variant interpretation guidelines (Richards et al. 2015 PMID: 25741868, with internal and published modifications).